The following is an entry in ClinVar:

ClinVar aggregate classification (germline): Uncertain significance (1 of 4 stars; one submission).

Conditions:
Neurodevelopmental disorder with hypotonia, neuropathy, and deafness (NEDHND). Also called: Myopathy, congenital, with neuropathy and deafness; SPTBN4 Disorder. Identifiers: MedGen C4479603, MONDO:0060496, OMIM 617519.

gnomAD v4.1: 129 of 1,613,544 alleles (0.008%); highest among the groups gnomAD compares: Non-Finnish European, 0.01%; no homozygotes.

Submission:

Diagnostics Services (NGS), CSIR - Centre For Cellular And Molecular Biology
Classification: Uncertain significance for Neurodevelopmental disorder with hypotonia, neuropathy, and deafness. Last evaluated: 2026-02-23. Review status: criteria provided, single submitter. Criteria: ACMG Guidelines, 2015. Collection method: clinical testing. Allele origin: germline. Observed: 1 variant allele, 1 heterozygote.
Comment: The c.1348C>T variant is not present in publicly available population databases like 1000 Genomes, EVS, Indian Exome Database or our internal database. The variant is present in the gnomAD, at a low frequency. This variant has neither been reported in the literature in individuals affected with SPTBN4-related conditions nor reported to the clinical databases like Human Genome Mutation Database (HGMD), ClinVar or OMIM in any affected individuals. In-silico pathogenicity prediction programs like SIFT, Polyphen-2, MutationTaster2, CADD, etc predicted this variant to be likely deleterious however these predictions were not confirmed by published functional studies.

NM_020971.3(SPTBN4):c.1348C>T (p.Arg450Cys)

Gene: SPTBN4 (spectrin beta, non-erythrocytic 4; plus strand). Cytogenetic location: 19q13.2.
Variant type: single nucleotide variant.
Coding change: c.1348C>T on transcript NM_020971.3 (MANE Select); coding-DNA position 1348, C replaced by T.
Protein change: p.Arg450Cys; replaces arginine 450 with cysteine.
Molecular consequence: missense variant.
Genome position (GRCh38, 1-based): chr19:40,502,919, C>T. VCF-style: chr19-40502919-C-T. GRCh37 (hg19) VCF-style: chr19-41008826-C-T.
Other names: short protein forms R450C.
Identifiers: ClinVar variation 4849701 (VCV004849701.1).